The following is an entry in ClinVar:

ClinVar aggregate classification (germline): Uncertain significance (1 of 4 stars; one submission).

Conditions:
OPTN-related disorder. Also called: OPTN-related condition; OPTN-related disorders.

gnomAD v4.1: 16 of 1,613,460 alleles (0.00099%); highest among the groups gnomAD compares: African/African-American, 0.021%; no homozygotes.

Submission:

PreventionGenetics, part of Exact Sciences
Classification: Uncertain significance for OPTN-related condition. Last evaluated: 2025-10-31. Review status: criteria provided, single submitter. Criteria: ACMG Guidelines, 2015. Collection method: clinical testing. Allele origin: germline.
Comment: The OPTN c.902C>G variant is predicted to result in the amino acid substitution p.Ala301Gly. To our knowledge, this variant has not been reported in the literature. This variant is reported in 0.016% of alleles in individuals of African descent in gnomAD. At this time, the clinical significance of this variant is uncertain due to the absence of conclusive functional and genetic evidence.

NM_001008212.2(OPTN):c.902C>G (p.Ala301Gly)

Gene: OPTN (optineurin; plus strand). Cytogenetic location: 10p13.
Variant type: single nucleotide variant.
Coding change: c.902C>G on transcript NM_001008212.2 (MANE Select); coding-DNA position 902, C replaced by G.
Protein change: p.Ala301Gly; replaces alanine 301 with glycine.
Molecular consequence: missense variant.
Genome position (GRCh38, 1-based): chr10:13,124,014, C>G. VCF-style: chr10-13124014-C-G. GRCh37 (hg19) VCF-style: chr10-13166014-C-G.
Other names: c.902C>G, p.Ala301Gly (NM_001008211.1, NM_001008213.1, NM_021980.4); short protein forms A301G.
Identifiers: ClinVar variation 4978610 (VCV004978610.1).